The following is an entry in ClinVar:

NM_001122764.3(PPOX):c.412C>T (p.Arg138Trp)

Gene: PPOX (protoporphyrinogen oxidase; plus strand). Cytogenetic location: 1q23.3.
Variant type: single nucleotide variant.
Coding change: c.412C>T on transcript NM_001122764.3 (MANE Select); coding-DNA position 412, C replaced by T.
Protein change: p.Arg138Trp; replaces arginine 138 with tryptophan.
Molecular consequence: missense variant. On other transcripts: 5 prime UTR variant (4), intron variant (2).
Genome position (GRCh38, 1-based): chr1:161,168,068, C>T. VCF-style: chr1-161168068-C-T. GRCh37 (hg19) VCF-style: chr1-161137858-C-T.
Other names: c.412C>T, p.Arg138Trp (NM_000309.5, NM_001365398.1, NM_001365399.1); c.-16C>T (NM_001350129.2, NM_001365400.1); c.-75C>T (NM_001350130.2, NM_001365401.1); c.354-345C>T (NM_001350128.2); c.-34-345C>T (NM_001350131.2); short protein forms R138W.
Identifiers: ClinVar variation 4770440 (VCV004770440.1).

ClinVar aggregate classification (germline): Uncertain significance (1 of 4 stars; one submission).

gnomAD v4.1: 9 of 1,614,162 alleles (0.00056%); highest among the groups gnomAD compares: Non-Finnish European, 0.00076%; no homozygotes.

Submission:

Labcorp Genetics (formerly Invitae), Labcorp
Classification: Uncertain significance. Last evaluated: 2025-09-12. Review status: criteria provided, single submitter. Criteria: Invitae Variant Classification Sherloc (09022015). Collection method: clinical testing. Allele origin: germline.
Comment: This sequence change replaces arginine, which is basic and polar, with tryptophan, which is neutral and slightly polar, at codon 138 of the PPOX protein (p.Arg138Trp). This variant is present in population databases (no rsID available, gnomAD 0.0009%). This variant has not been reported in the literature in individuals affected with PPOX-related conditions. Invitae Evidence Modeling of protein sequence and biophysical properties (such as structural, functional, and spatial information, amino acid conservation, physicochemical variation, residue mobility, and thermodynamic stability) indicates that this missense variant is expected to disrupt PPOX protein function with a positive predictive value of 95%. In summary, the available evidence is currently insufficient to determine the role of this variant in disease. Therefore, it has been classified as a Variant of Uncertain Significance.